The following is an entry in ClinVar:

ClinVar aggregate classification (germline): Likely pathogenic (1 of 4 stars; one submission).

Conditions:
Cardiovascular phenotype. Identifiers: MedGen CN230736.

Submission:

Ambry Genetics
Classification: Likely pathogenic for Cardiovascular phenotype. Last evaluated: 2026-03-12. Review status: criteria provided, single submitter. Criteria: Ambry Variant Classification Scheme 2023. Collection method: clinical testing. Allele origin: germline.
Comment: The c.53206dupT variant, located in coding exon 153 of the TTN gene, results from a duplication of T at nucleotide position 53206, causing a translational frameshift with a predicted alternate stop codon (p.W17736Lfs*5). This exon is located in the A-band region of the N2-B isoform of the titin protein and is constitutively expressed in TTN transcripts (percent spliced in or PSI 100%). This variant is considered to be rare based on population cohorts in the Genome Aggregation Database (gnomAD). This alteration is expected to result in loss of function by premature protein truncation or nonsense-mediated mRNA decay. While truncating variants in TTN are present in 1-3% of the general population, truncating variants in the A-band are the most common cause of dilated cardiomyopathy (DCM) (Herman DS et al. N. Engl. J. Med., 2012 Feb;366:619-28; Roberts AM et al. Sci Transl Med, 2015 Jan;7:270ra6). TTN truncating variants encoded in constitutive exons (PSI >90%) have been found to be significantly associated with DCM regardless of their position in titin (Schafer S et al. Nat. Genet., 2017 01;49:46-53). Based on the majority of available evidence to date, this variant is likely to be pathogenic.

NM_001267550.2(TTN):c.80401dup (p.Trp26801fs)

Genes: TTN (titin; minus strand), TTN-AS1 (TTN antisense RNA 1; plus strand). Cytogenetic location: 2q31.2.
Variant type: Duplication.
Coding change: c.80401dup on transcript NM_001267550.2 (MANE Select); coding-DNA position 80401, one base duplicated (T; older notation c.80401dupT).
Protein change: p.Trp26801fs; shifts the reading frame from tryptophan 26801.
Molecular consequence: frameshift variant.
Genome position (GRCh38, 1-based): chr2:178,565,731, A duplicated on the plus strand (T on the coding strand, the reverse complement: TTN is on the minus strand). VCF-style (leftmost placement, unchanged base first): chr2-178565730-C-CA. GRCh37 (hg19) VCF-style: chr2-179430457-C-CA.
Other names: c.53206dupT (NM_003319.4); c.53206dup, p.Trp17736fs (NM_003319.4); c.72697dup, p.Trp24233fs (NM_133378.4); c.53581dup, p.Trp17861fs (NM_133432.3); c.53782dup, p.Trp17928fs (NM_133437.4); c.75478dup, p.Trp25160fs (NM_001256850.1); short protein forms W17736fs, W17861fs, W17928fs, W24233fs, W25160fs, W26801fs.
Identifiers: ClinVar variation 3223301 (VCV003223301.2), dbSNP rs2468257785, ClinGen allele CA2825001022.